The following is an entry in ClinVar:

ClinVar aggregate classification (germline): Uncertain significance. Review status: criteria provided, multiple submitters, no conflicts (2 of 4 stars). 2 submissions from 2 submitters: Uncertain significance (2). Last evaluated 2025-05-17.

Submissions (2):

Dasa
Classification: Uncertain significance. Last evaluated: 2025-05-17. Review status: criteria provided, single submitter. Criteria: DASA Assertion Criteria. Collection method: clinical testing. Allele origin: germline.
Comment: NM_001366145.2(TRPM3):c.4220G>A (p.Arg1407Lys) is a missense variant that results in the substitution of arginine with lysine. This variant is absent from population databases. Computational prediction algorithms are consistent with a benign effect. The currently available literature and clinical evidence are not sufficient to establish a definitive association between this variant and the reported condition. Therefore, this variant is classified as a variant of uncertain significance.

GeneDx
Classification: Uncertain significance. Last evaluated: 2022-08-05. Review status: criteria provided, single submitter. Criteria: GeneDx Variant Classification Process June 2021. Collection method: clinical testing. Allele origin: germline. Affected: yes.
Comment: Not observed at significant frequency in large population cohorts (gnomAD); In silico analysis supports that this missense variant does not alter protein structure/function; Has not been previously published as pathogenic or benign to our knowledge

NM_001366145.2(TRPM3):c.4220G>A (p.Arg1407Lys)

Genes: KLF9-DT (KLF9 divergent transcript; plus strand), TRPM3 (transient receptor potential cation channel subfamily M member 3; minus strand). Cytogenetic location: 9q21.12.
Variant type: single nucleotide variant.
Coding change: c.4220G>A on transcript NM_001366145.2 (MANE Select); coding-DNA position 4220, G replaced by A.
Protein change: p.Arg1407Lys; replaces arginine 1407 with lysine.
Molecular consequence: missense variant. On other transcripts: intron variant (8).
Genome position (GRCh38, 1-based): chr9:70,536,893, C>T on the plus strand (G>A on the coding strand, the complement: TRPM3 is on the minus strand). VCF-style: chr9-70536893-C-T. GRCh37 (hg19) VCF-style: chr9-73151809-C-T.
Other names: c.4066+229G>A (NM_001366152.2); c.3532+229G>A (NM_001366154.2); c.4184G>A, p.Arg1395Lys (NM_001007471.4); c.4190G>A, p.Arg1397Lys (NM_001366141.2, NM_001366149.2); c.4295G>A, p.Arg1432Lys (NM_001366147.2); c.3725G>A, p.Arg1242Lys (NM_020952.6); c.3761G>A, p.Arg1254Lys (NM_024971.7); c.3695G>A, p.Arg1232Lys (NM_206944.5); and 9 more; short protein forms R1232K, R1242K, R1244K, R1254K, R1257K, R1267K, R1395K, R1397K.
Identifiers: ClinVar variation 2428865 (VCV002428865.5), dbSNP rs2538012047, ClinGen allele CA373550657.